The following is an entry in ClinVar:

NM_004370.6(COL12A1):c.3089A>G (p.Tyr1030Cys)

Gene: COL12A1 (collagen type XII alpha 1 chain; minus strand). Cytogenetic location: 6q13.
Variant type: single nucleotide variant.
Coding change: c.3089A>G on transcript NM_004370.6 (MANE Select); coding-DNA position 3089, A replaced by G.
Protein change: p.Tyr1030Cys; replaces tyrosine 1030 with cysteine.
Molecular consequence: missense variant. On other transcripts: intron variant (1).
Genome position (GRCh38, 1-based): chr6:75,156,418, T>C on the plus strand (A>G on the coding strand, the complement: COL12A1 is on the minus strand). VCF-style: chr6-75156418-T-C. GRCh37 (hg19) VCF-style: chr6-75866134-T-C.
Other names: c.74-3936A>G (NM_080645.3); short protein forms Y1030C.
Identifiers: ClinVar variation 1391418 (VCV001391418.6), dbSNP rs2149424485, ClinGen allele CA364754245.

ClinVar aggregate classification (germline): Uncertain significance (1 of 4 stars; one submission).

Conditions:
Ullrich congenital muscular dystrophy 2 (UCMD2). Identifiers: Orphanet 75840, MedGen C4225314, MONDO:0014654, OMIM 616470.
Bethlem myopathy 2 (BTHLM2). Identifiers: Orphanet 536516, Orphanet 610, MedGen C4225313, MONDO:0034022, OMIM 616471.

Submission:

Labcorp Genetics (formerly Invitae), Labcorp
Classification: Uncertain significance for Bethlem myopathy 2; Ullrich congenital muscular dystrophy 2. Last evaluated: 2024-10-26. Review status: criteria provided, single submitter. Criteria: Invitae Variant Classification Sherloc (09022015). Collection method: clinical testing. Allele origin: germline.
Comment: This sequence change replaces tyrosine, which is neutral and polar, with cysteine, which is neutral and slightly polar, at codon 1030 of the COL12A1 protein (p.Tyr1030Cys). This variant is not present in population databases (gnomAD no frequency). This variant has not been reported in the literature in individuals affected with COL12A1-related conditions. ClinVar contains an entry for this variant (Variation ID: 1391418). Invitae Evidence Modeling of protein sequence and biophysical properties (such as structural, functional, and spatial information, amino acid conservation, physicochemical variation, residue mobility, and thermodynamic stability) has been performed for this missense variant. However, the output from this modeling did not meet the statistical confidence thresholds required to predict the impact of this variant on COL12A1 protein function. In summary, the available evidence is currently insufficient to determine the role of this variant in disease. Therefore, it has been classified as a Variant of Uncertain Significance.